The following is an entry in ClinVar:

ClinVar aggregate classification (germline): Conflicting classifications of pathogenicity. Review status: criteria provided, conflicting classifications (1 of 4 stars). 2 submissions from 2 submitters: Uncertain significance (1); Likely benign (1). Last evaluated 2025-10-07.

Conditions:
Cardiovascular phenotype. Identifiers: MedGen CN230736.
Long QT syndrome (LQTS). Identifiers: MedGen C0023976, MeSH D008133, MONDO:0002442. Disease mechanism: loss of function. Inheritance: Various modes of inheritance.

Allele frequency attached by ClinVar (database versions not stated): gnomAD exomes 0.00001; gnomAD 0.00006; ExAC 0.00002; TOPMed 0.00006.
gnomAD v4.1: 19 of 1,614,086 alleles (0.0012%); highest among the groups gnomAD compares: African/African-American, 0.023%; no homozygotes.

Submissions (2):

Labcorp Genetics (formerly Invitae), Labcorp
Classification: Uncertain significance for Long QT syndrome. Last evaluated: 2025-10-07. Review status: criteria provided, single submitter. Criteria: Invitae Variant Classification Sherloc (09022015). Collection method: clinical testing. Allele origin: germline.
Comment: This sequence change replaces leucine, which is neutral and non-polar, with valine, which is neutral and non-polar, at codon 3288 of the AKAP9 protein (p.Leu3288Val). This variant is present in population databases (rs761646754, gnomAD 0.03%). This variant has not been reported in the literature in individuals affected with AKAP9-related conditions. ClinVar contains an entry for this variant (Variation ID: 1768431). An algorithm developed to predict the effect of missense changes on protein structure and function (PolyPhen-2) suggests that this variant is likely to be disruptive. In summary, the available evidence is currently insufficient to determine the role of this variant in disease. Therefore, it has been classified as a Variant of Uncertain Significance.

Ambry Genetics
Classification: Likely benign for Cardiovascular phenotype. Last evaluated: 2022-06-14. Review status: criteria provided, single submitter. Criteria: Ambry Variant Classification Scheme 2023. Collection method: clinical testing. Allele origin: germline.

NM_005751.5(AKAP9):c.9862T>G (p.Leu3288Val)

Gene: AKAP9 (A-kinase anchoring protein 9; plus strand). Cytogenetic location: 7q21.2.
Variant type: single nucleotide variant.
Coding change: c.9862T>G on transcript NM_005751.5 (MANE Select); coding-DNA position 9862, T replaced by G.
Protein change: p.Leu3288Val; replaces leucine 3288 with valine.
Molecular consequence: missense variant.
Genome position (GRCh38, 1-based): chr7:92,096,821, T>G. VCF-style: chr7-92096821-T-G. GRCh37 (hg19) VCF-style: chr7-91726135-T-G.
Other names: c.4507T>G, p.Leu1503Val (NM_001379277.1); c.9838T>G, p.Leu3280Val (NM_147185.3); short protein forms L3288V, L1503V, L3280V.
Identifiers: ClinVar variation 1768431 (VCV001768431.5), dbSNP rs761646754, ClinGen allele CA4337859.